The following is an entry in ClinVar:

ClinVar aggregate classification (germline): Uncertain significance (1 of 4 stars; one submission).

gnomAD v4.1: 27 of 1,614,188 alleles (0.0017%); highest among the groups gnomAD compares: Middle Eastern, 0.016%; no homozygotes.

Submission:

Mayo Clinic Laboratories, Mayo Clinic
Classification: Uncertain significance. Last evaluated: 2024-09-12. Review status: criteria provided, single submitter. Criteria: ACMG Guidelines, 2015. Collection method: clinical testing. Allele origin: germline. Observed: 1 variant allele.
Comment: BS1

NM_015378.4(VPS13D):c.5423G>A (p.Arg1808Gln)

Gene: VPS13D (vacuolar protein sorting 13 homolog D; plus strand). Cytogenetic location: 1p36.22.
Variant type: single nucleotide variant.
Coding change: c.5423G>A on transcript NM_015378.4 (MANE Select); coding-DNA position 5423, G replaced by A.
Protein change: p.Arg1808Gln; replaces arginine 1808 with glutamine.
Molecular consequence: missense variant.
Genome position (GRCh38, 1-based): chr1:12,283,525, G>A. VCF-style: chr1-12283525-G-A. GRCh37 (hg19) VCF-style: chr1-12343582-G-A.
Other names: p.Arg1808Gln; c.5423G>A, p.Arg1808Gln (NM_018156.4); short protein forms R1808Q.
Identifiers: ClinVar variation 3380861 (VCV003380861.1).